The following is an entry in ClinVar:

NM_006086.4(TUBB3):c.277+6T>C

Gene: TUBB3 (tubulin beta 3 class III; plus strand). Cytogenetic location: 16q24.3.
Variant type: single nucleotide variant.
Coding change: c.277+6T>C on transcript NM_006086.4 (MANE Select); 6 bases into the intron after coding-DNA position 277, T replaced by C.
Molecular consequence: intron variant.
Genome position (GRCh38, 1-based): chr16:89,933,584, T>C. VCF-style: chr16-89933584-T-C. GRCh37 (hg19) VCF-style: chr16-89999992-T-C.
Other names: c.61+6T>C (NM_001197181.2).
Identifiers: ClinVar variation 1935688 (VCV001935688.5), dbSNP rs746488710, ClinGen allele CA397471436.

ClinVar aggregate classification (germline): Uncertain significance (1 of 4 stars; one submission).

gnomAD v4.1: 10 of 1,609,288 alleles (0.00062%); highest among the groups gnomAD compares: South Asian, 0.0055%; no homozygotes.

Submission:

Labcorp Genetics (formerly Invitae), Labcorp
Classification: Uncertain significance. Last evaluated: 2022-07-11. Review status: criteria provided, single submitter. Criteria: Invitae Variant Classification Sherloc (09022015). Collection method: clinical testing. Allele origin: germline.
Comment: This sequence change falls in intron 3 of the TUBB3 gene. It does not directly change the encoded amino acid sequence of the TUBB3 protein. It affects a nucleotide within the consensus splice site. In summary, the available evidence is currently insufficient to determine the role of this variant in disease. Therefore, it has been classified as a Variant of Uncertain Significance. Variants that disrupt the consensus splice site are a relatively common cause of aberrant splicing (PMID: 17576681, 9536098). Algorithms developed to predict the effect of sequence changes on RNA splicing suggest that this variant is not likely to affect RNA splicing. This variant has not been reported in the literature in individuals affected with TUBB3-related conditions. This variant is present in population databases (no rsID available, gnomAD 0.003%).

Literature cited by the submitters: PubMed 17576681; PubMed 9536098.